The following is an entry in ClinVar:

NM_000059.4(BRCA2):c.7829T>C (p.Val2610Ala)

Gene: BRCA2 (BRCA2 DNA repair associated; plus strand). Cytogenetic location: 13q13.1.
Variant type: single nucleotide variant.
Coding change: c.7829T>C on transcript NM_000059.4 (MANE Select); coding-DNA position 7829, T replaced by C.
Protein change: p.Val2610Ala; replaces valine 2610 with alanine.
Molecular consequence: missense variant. On other transcripts: non-coding transcript variant (1).
Genome position (GRCh38, 1-based): chr13:32,362,546, T>C. VCF-style: chr13-32362546-T-C. GRCh37 (hg19) VCF-style: chr13-32936683-T-C.
Other names: c.7733T>C, p.Val2578Ala (NM_001406719.1); c.7829T>C, p.Val2610Ala (NM_001406720.1, NM_001432077.1); c.2897T>C, p.Val966Ala (NM_001406721.1); c.1412T>C, p.Val471Ala (NM_001406722.1); short protein forms V471A, V2610A, V966A, V2578A.
Identifiers: ClinVar variation 3636527 (VCV003636527.2).

ClinVar aggregate classification (germline): Uncertain significance (1 of 4 stars; one submission).

Conditions:
Hereditary breast ovarian cancer syndrome. Also called: Hereditary breast and ovarian cancer syndrome; Hereditary breast and ovarian cancer syndrome (HBOC); BRCA1- and BRCA2-Associated Hereditary Breast and Ovarian Cancer; Hereditary breast and ovarian cancer; Breast and ovarian cancer; Hereditary breast and/or ovarian cancer syndrome. Identifiers: Orphanet 145, MedGen C0677776, MeSH D061325, MONDO:0003582. Disease mechanism: loss of function.

gnomAD v4.1: 1 of 1,613,870 alleles (0.000062%); no homozygotes.

Submission:

Labcorp Genetics (formerly Invitae), Labcorp
Classification: Uncertain significance for Hereditary breast ovarian cancer syndrome. Last evaluated: 2024-09-10. Review status: criteria provided, single submitter. Criteria: Invitae Variant Classification Sherloc (09022015). Collection method: clinical testing. Allele origin: germline.
Comment: This sequence change replaces valine, which is neutral and non-polar, with alanine, which is neutral and non-polar, at codon 2610 of the BRCA2 protein (p.Val2610Ala). This variant is not present in population databases (gnomAD no frequency). This variant has not been reported in the literature in individuals affected with BRCA2-related conditions. Invitae Evidence Modeling of protein sequence and biophysical properties (such as structural, functional, and spatial information, amino acid conservation, physicochemical variation, residue mobility, and thermodynamic stability) indicates that this missense variant is not expected to disrupt BRCA2 protein function with a negative predictive value of 95%. In summary, the available evidence is currently insufficient to determine the role of this variant in disease. Therefore, it has been classified as a Variant of Uncertain Significance.